The following is an entry in ClinVar:

ClinVar aggregate classification (germline): Uncertain significance (1 of 4 stars; one submission).

Submission:

Labcorp Genetics (formerly Invitae), Labcorp
Classification: Uncertain significance. Last evaluated: 2021-03-26. Review status: criteria provided, single submitter. Criteria: Invitae Variant Classification Sherloc (09022015). Collection method: clinical testing. Allele origin: germline.
Comment: Algorithms developed to predict the effect of missense changes on protein structure and function are either unavailable or do not agree on the potential impact of this missense change (SIFT: "Deleterious"; PolyPhen-2: "Probably Damaging"; Align-GVGD: "Class C0"). This variant has not been reported in the literature in individuals with PPP2R5D-related conditions. This variant is not present in population databases (ExAC no frequency). This sequence change replaces alanine with threonine at codon 298 of the PPP2R5D protein (p.Ala298Thr). The alanine residue is highly conserved and there is a small physicochemical difference between alanine and threonine. In summary, the available evidence is currently insufficient to determine the role of this variant in disease. Therefore, it has been classified as a Variant of Uncertain Significance.

NM_006245.4(PPP2R5D):c.892G>A (p.Ala298Thr)

Gene: PPP2R5D (protein phosphatase 2 regulatory subunit B'delta; plus strand). Cytogenetic location: 6p21.1.
Variant type: single nucleotide variant.
Coding change: c.892G>A on transcript NM_006245.4 (MANE Select); coding-DNA position 892, G replaced by A.
Protein change: p.Ala298Thr; replaces alanine 298 with threonine.
Molecular consequence: missense variant.
Genome position (GRCh38, 1-based): chr6:43,008,235, G>A. VCF-style: chr6-43008235-G-A. GRCh37 (hg19) VCF-style: chr6-42975973-G-A.
Other names: c.439G>A, p.Ala147Thr (NM_001270476.2); c.796G>A, p.Ala266Thr (NM_180976.3); c.574G>A, p.Ala192Thr (NM_180977.3); short protein forms A192T, A298T, A266T, A147T.
Identifiers: ClinVar variation 1411655 (VCV001411655.8), dbSNP rs2150280123, ClinGen allele CA364190891.
Genomic context (GRCh38, chr6:43,008,235, plus strand): 5'-CAAGAGAGCCATTTTTCTTCCCTCAGGTTCATCTACGAGACGGAGCATCACAACGGGATT[G>A]CTGAGCTCCTGGAGATCCTGGGCAGGTGAGAGGCCGGGTGGGGGCACAGATGCCTGAAAA-3'
Protein context (NP_006236.1, residues 288-308): IYETEHHNGI[Ala298Thr]ELLEILGSII